The following is an entry in ClinVar:

NM_000074.3(CD40LG):c.409+1G>C

Gene: CD40LG (CD40 ligand; plus strand). Cytogenetic location: Xq26.3.
Variant type: single nucleotide variant.
Coding change: c.409+1G>C on transcript NM_000074.3 (MANE Select); the canonical splice donor site of the intron after coding-DNA position 409, G replaced by C.
Molecular consequence: splice donor variant.
Genome position (GRCh38, 1-based): chrX:136,656,419, G>C. VCF-style: chrX-136656419-G-C. GRCh37 (hg19) VCF-style: chrX-135738578-G-C.
Identifiers: ClinVar variation 1402799 (VCV001402799.6), dbSNP rs2148552941, ClinGen allele CA414755198.

ClinVar aggregate classification (germline): Pathogenic (1 of 4 stars; one submission).

Conditions:
Hyper-IgM syndrome type 1. Also called: Hyper-IgM Immunodeficiency Syndrome, Type 1; CD40 Ligand Deficiency; X-linked hyper-IgM syndrome; Immunodeficiency, X-linked, with hyper-IgM. Identifiers: Orphanet 101088, MedGen C0398689, MONDO:0010626, OMIM 308230.

Submission:

Labcorp Genetics (formerly Invitae), Labcorp
Classification: Pathogenic for Hyper-IgM syndrome type 1. Last evaluated: 2021-07-30. Review status: criteria provided, single submitter. Criteria: Invitae Variant Classification Sherloc (09022015). Collection method: clinical testing. Allele origin: germline.
Comment: This sequence change affects a donor splice site in intron 4 of the CD40LG gene. While this variant is not anticipated to result in nonsense mediated decay, it likely alters RNA splicing and results in a disrupted protein product. This variant is not present in population databases (ExAC no frequency). Disruption of this splice site has been observed in individuals with hyper IgM syndrome. (PMID: 7907793, 8550833, 9150729). Nucleotide substitutions within the consensus splice site are a relatively common cause of aberrant splicing (PMID: 17576681, 9536098). Studies have shown that this variant is associated with altered splicing, but the impact on the resulting protein product is unknown (PMID: 8550833). For these reasons, this variant has been classified as Pathogenic.

Literature cited by the submitters: PubMed 7907793; PubMed 8550833; PubMed 9150729; PubMed 17576681; PubMed 9536098.